The following is an entry in ClinVar:

NM_000135.4(FANCA):c.65G>C (p.Trp22Ser)

Genes: FANCA (FA complementation group A; minus strand), LOC112486223 (Sharpr-MPRA regulatory region 3988; plus strand). Cytogenetic location: 16q24.3.
Variant type: single nucleotide variant.
Coding change: c.65G>C on transcript NM_000135.4 (MANE Select); coding-DNA position 65, G replaced by C.
Protein change: p.Trp22Ser; replaces tryptophan 22 with serine.
Molecular consequence: missense variant.
Genome position (GRCh38, 1-based): chr16:89,816,551, C>G on the plus strand (G>C on the coding strand, the complement: FANCA is on the minus strand). VCF-style: chr16-89816551-C-G. GRCh37 (hg19) VCF-style: chr16-89882959-C-G.
Other names: c.65G>C, p.Trp22Ser (NM_001018112.3, NM_001286167.3, NM_001351830.2); short protein forms W22S.
Identifiers: ClinVar variation 1375372 (VCV001375372.8), dbSNP rs761341952, ClinGen allele CA397484429.

ClinVar aggregate classification (germline): Uncertain significance (1 of 4 stars; one submission).

Conditions:
Fanconi anemia (FA). Also called: Fanconi's anemia. Identifiers: Orphanet 84, MedGen C0015625, MeSH D005199, MONDO:0019391.

Submission:

Labcorp Genetics (formerly Invitae), Labcorp
Classification: Uncertain significance for Fanconi anemia. Last evaluated: 2021-03-10. Review status: criteria provided, single submitter. Criteria: Invitae Variant Classification Sherloc (09022015). Collection method: clinical testing. Allele origin: germline.
Comment: The frequency data for this variant in the population databases is considered unreliable, as metrics indicate insufficient coverage at this position in the ExAC database. This sequence change replaces tryptophan with serine at codon 22 of the FANCA protein (p.Trp22Ser). The tryptophan residue is weakly conserved and there is a large physicochemical difference between tryptophan and serine. This variant has not been reported in the literature in individuals with FANCA-related conditions. In summary, the available evidence is currently insufficient to determine the role of this variant in disease. Therefore, it has been classified as a Variant of Uncertain Significance. Algorithms developed to predict the effect of missense changes on protein structure and function (SIFT, PolyPhen-2, Align-GVGD) all suggest that this variant is likely to be tolerated, but these predictions have not been confirmed by published functional studies and their clinical significance is uncertain.